The following is an entry in ClinVar:

NM_000226.4(KRT9):c.1491_1559del (p.Gly501_Gly523del)

Gene: KRT9 (keratin 9; minus strand). Cytogenetic location: 17q21.2.
Variant type: Deletion.
Coding change: c.1491_1559del on transcript NM_000226.4 (MANE Select); coding-DNA positions 1491 to 1559, 69 bases deleted.
Protein change: p.Gly501_Gly523del.
Molecular consequence: inframe deletion.
Genome position (GRCh38, 1-based): chr17:41,567,586-41,567,654, 69 bases deleted. GRCh37 (hg19): chr17:39,723,864-39,723,932.
Identifiers: ClinVar variation 2712609 (VCV002712609.3), dbSNP rs1567731240, ClinGen allele CA8561906.

ClinVar aggregate classification (germline): Uncertain significance (1 of 4 stars; one submission).

Submission:

Labcorp Genetics (formerly Invitae), Labcorp
Classification: Uncertain significance. Last evaluated: 2023-11-10. Review status: criteria provided, single submitter. Criteria: Invitae Variant Classification Sherloc (09022015). Collection method: clinical testing. Allele origin: germline.
Comment: This variant, c.1491_1559del, results in the deletion of 23 amino acid(s) of the KRT9 protein (p.Gly501_Gly523del), but otherwise preserves the integrity of the reading frame. This variant is present in population databases (no rsID available, gnomAD 0.06%), and has an allele count higher than expected for a pathogenic variant. This variant has not been reported in the literature in individuals affected with KRT9-related conditions. Experimental studies and prediction algorithms are not available or were not evaluated, and the functional significance of this variant is currently unknown. In summary, the available evidence is currently insufficient to determine the role of this variant in disease. Therefore, it has been classified as a Variant of Uncertain Significance.